The following is an entry in ClinVar:

ClinVar aggregate classification (germline): Likely benign (1 of 4 stars; one submission).

Submission:

CeGaT Center for Human Genetics Tuebingen
Classification: Likely benign. Last evaluated: 2023-01-01. Review status: criteria provided, single submitter. Criteria: CeGaT Center For Human Genetics Tuebingen Variant Classification Criteria Version 2. Collection method: clinical testing. Allele origin: germline. Affected: yes. Observed: 1 variant allele.
Comment: KIAA1755: PM2:Supporting, BP4, BP7

NM_001029864.2(KIAA1755):c.1389C>T (p.Ser463=)

Gene: KIAA1755 (KIAA1755; minus strand). Cytogenetic location: 20q11.23.
Variant type: single nucleotide variant.
Coding change: c.1389C>T on transcript NM_001029864.2 (MANE Select); coding-DNA position 1389, C replaced by T.
Protein change: p.Ser463=; no amino-acid change (serine 463 retained).
Molecular consequence: synonymous variant. On other transcripts: intron variant (1).
Genome position (GRCh38, 1-based): chr20:38,240,742, G>A on the plus strand (C>T on the coding strand, the complement: KIAA1755 is on the minus strand). VCF-style: chr20-38240742-G-A. GRCh37 (hg19) VCF-style: chr20-36869144-G-A.
Other names: c.706+683C>T (NM_001348708.2).
Identifiers: ClinVar variation 2652316 (VCV002652316.24), dbSNP rs2515760087, ClinGen allele CA510496789.